The following is an entry in ClinVar:

ClinVar aggregate classification (germline): Uncertain significance (1 of 4 stars; one submission).

Allele frequency attached by ClinVar (database versions not stated): gnomAD 0.00001 and 0.00002; TOPMed 0.00001.
gnomAD v4.1: 21 of 1,613,784 alleles (0.0013%); highest among the groups gnomAD compares: Non-Finnish European, 0.0014%; no homozygotes.

Submission:

Labcorp Genetics (formerly Invitae), Labcorp
Classification: Uncertain significance. Last evaluated: 2021-09-24. Review status: criteria provided, single submitter. Criteria: Invitae Variant Classification Sherloc (09022015). Collection method: clinical testing. Allele origin: germline.
Comment: This sequence change replaces alanine with threonine at codon 897 of the CDH23 protein (p.Ala897Thr). The alanine residue is highly conserved and there is a small physicochemical difference between alanine and threonine. This variant is not present in population databases (ExAC no frequency). This variant has not been reported in the literature in individuals with CDH23-related conditions. Algorithms developed to predict the effect of missense changes on protein structure and function are either unavailable or do not agree on the potential impact of this missense change (SIFT: "Deleterious"; PolyPhen-2: "Not Available"; Align-GVGD: "Class C55"). In summary, the available evidence is currently insufficient to determine the role of this variant in disease. Therefore, it has been classified as a Variant of Uncertain Significance.

NM_022124.6(CDH23):c.2689G>A (p.Ala897Thr)

Gene: CDH23 (cadherin related 23; plus strand). Cytogenetic location: 10q22.1.
Variant type: single nucleotide variant.
Coding change: c.2689G>A on transcript NM_022124.6 (MANE Select); coding-DNA position 2689, G replaced by A.
Protein change: p.Ala897Thr; replaces alanine 897 with threonine.
Molecular consequence: missense variant.
Genome position (GRCh38, 1-based): chr10:71,702,650, G>A. VCF-style: chr10-71702650-G-A. GRCh37 (hg19) VCF-style: chr10-73462407-G-A.
Other names: c.2689G>A, p.Ala897Thr (NM_001171930.2, NM_001171931.2); short protein forms A897T.
Identifiers: ClinVar variation 1464367 (VCV001464367.5), dbSNP rs762204430, ClinGen allele CA377138411.